The following is an entry in ClinVar:

NM_001165963.1(SCN1A):c.4285_4476del

Gene: SCN1A (sodium voltage-gated channel alpha subunit 1; minus strand).
Variant type: Deletion.
Coding change: c.4285_4476del on transcript NM_001165963.1; coding-DNA positions 4285 to 4476, 192 bases deleted.
Identifiers: ClinVar variation 189995 (VCV000189995.1).

ClinVar aggregate classification (germline): Pathogenic (1 of 4 stars; one submission).

Conditions:
Severe myoclonic epilepsy in infancy (DRVT). Also called: Epileptic encephalopathy, early infantile, 6 (Dravet syndrome); SEVERE MYOCLONIC EPILEPSY OF INFANCY; DEVELOPMENTAL AND EPILEPTIC ENCEPHALOPATHY 6A; Severe Myoclonic Epilepsy in Infancy (SMEI); Dravet syndrome. Identifiers: Orphanet 33069, MedGen C0751122, MONDO:0100135, OMIM 607208.

Submission:

Center for Bioinformatics, Peking University
Classification: Pathogenic for Dravet syndrome. Last evaluated: 2014-12-20. Review status: criteria provided, single submitter. Criteria: Xu et al. (Hum Mutat. 2015). Collection method: research. Allele origin: de novo. Affected: yes. Observed: 1 variant allele. Study: University Clinical Cooperation “985 Project” PKU-2014-1-1.
Comment: Dravet syndrome (DS) probands were recruited from the outpatient and inpatient child neurology units of Peking University First Hospital from 2005 till present. The study was approved by the Ethics Committee of Peking University First Hospital and the Institutional Review Board at Peking University. Participants or their parents provided written informed consent before enrollment. We collected a total of 267 mutations from 255 families with probands diagnosed with DS in China. All probands fulfilled the clinical diagnostic criteria.